The following is an entry in ClinVar:

NM_007294.4(BRCA1):c.4986+222A>G

Gene: BRCA1 (BRCA1 DNA repair associated; minus strand). Cytogenetic location: 17q21.31.
Variant type: single nucleotide variant.
Coding change: c.4986+222A>G on transcript NM_007294.4 (MANE Select); 222 bases into the intron after coding-DNA position 4986, A replaced by G.
Molecular consequence: intron variant.
Genome position (GRCh38, 1-based): chr17:43,070,706, T>C on the plus strand (A>G on the coding strand, the complement: BRCA1 is on the minus strand). VCF-style: chr17-43070706-T-C. GRCh37 (hg19) VCF-style: chr17-41222723-T-C.
Other names: IVS 16+222A>G; c.1533+222A>G (NM_001408458.1, NM_001408461.1, NM_001408464.1 and 7 more transcripts); c.4095+222A>G (NM_001407967.1); c.4605+222A>G (NM_001407959.1); c.4719+222A>G (NM_001407931.1, NM_001407932.1, NM_001407928.1 and 4 more transcripts); c.4842+222A>G (NM_001407747.1, NM_001407745.1, NM_001407737.1 and 21 more transcripts); c.4602+222A>G (NM_001407962.1, NM_001407960.1); c.1173+222A>G (NM_001408512.1); and 72 more.
Identifiers: ClinVar variation 209359 (VCV000209359.5), dbSNP rs3092987, ClinGen allele CA276331.

ClinVar aggregate classification (germline): Benign. Review status: reviewed by expert panel (3 of 4 stars). 3 submissions from 3 submitters: Benign (1). 2 of the submissions do not count toward it. Last evaluated 2015-01-12.

Conditions:
Breast-ovarian cancer, familial, susceptibility to, 1 (BROVCA1). Also called: BRCA1 Hereditary Breast and Ovarian Cancer; OVARIAN CANCER, SUSCEPTIBILITY TO. Identifiers: Orphanet 145, MedGen C2676676, MONDO:0011450, OMIM 604370. Disease mechanism: loss of function.

Allele frequency attached by ClinVar (database versions not stated): TOPMed 0.28424; gnomAD 0.29252 and 0.30115; 1000 Genomes Project 30x 0.33167; 1000 Genomes Project 0.33746.
gnomAD v4.1: 45,847 of 152,112 alleles (30%); highest among the groups gnomAD compares: South Asian, 49%; 7,473 homozygotes.

Submissions (3):

Evidence-based Network for the Interpretation of Germline Mutant Alleles (ENIGMA)
Classification: Benign for Breast-ovarian cancer, familial 1. Last evaluated: 2015-01-12. Review status: reviewed by expert panel. Criteria: ENIGMA BRCA1/2 Classification Criteria (2015). Collection method: curation. Allele origin: germline.
Comment: Class 1 not pathogenic based on frequency >1% in an outbred sampleset. Frequency 0.3322 (Asian), 0.1301 (African), 0.3588 (European), derived from 1000 genomes (2012-04-30).

GeneDx
Classification: Benign. Last evaluated: 2018-07-09. Review status: criteria provided, single submitter. Criteria: GeneDx Variant Classification Process June 2021. Collection method: clinical testing. Allele origin: germline. Affected: yes. Not counted in ClinVar's aggregate classification.

Breakthrough Genomics
Classification: Benign. Review status: criteria provided, single submitter. Criteria: ACMG Guidelines, 2015. Collection method: not provided. Allele origin: germline. Inheritance: Autosomal recessive inheritance. Affected: yes. Not counted in ClinVar's aggregate classification.